The following is an entry in ClinVar:

ClinVar aggregate classification (germline): Likely benign. Review status: criteria provided, multiple submitters, no conflicts (2 of 4 stars). 3 submissions from 3 submitters: Likely benign (2). 1 of the submissions does not count toward it. Last evaluated 2024-10-22.

Conditions:
DNAH17-related disorder. Also called: DNAH17-related condition.

Allele frequency attached by ClinVar (database versions not stated): ExAC 0.00063; ESP Exome Variant Server 0.00177; TOPMed 0.00181; 1000 Genomes Project 0.00220; 1000 Genomes Project 30x 0.00265.
gnomAD v4.1: 509 of 1,610,492 alleles (0.032%); highest among the groups gnomAD compares: African/African-American, 0.51%; 2 homozygotes.

Submissions (3):

Blueprint Genetics
Classification: Likely benign. Last evaluated: 2024-10-22. Review status: criteria provided, single submitter. Criteria: ACMG Guidelines, 2015. Collection method: clinical testing. Allele origin: germline.

CeGaT Center for Human Genetics Tuebingen
Classification: Likely benign. Last evaluated: 2023-03-01. Review status: criteria provided, single submitter. Criteria: CeGaT Center For Human Genetics Tuebingen Variant Classification Criteria Version 2. Collection method: clinical testing. Allele origin: germline. Affected: yes. Observed: 1 variant allele.
Comment: DNAH17: BP4, BP7

PreventionGenetics, part of Exact Sciences
Classification: Likely benign for DNAH17-related condition. Last evaluated: 2024-05-15. Review status: no assertion criteria provided. Collection method: clinical testing. Allele origin: germline. Not counted in ClinVar's aggregate classification.
Comment: This variant is classified as likely benign based on ACMG/AMP sequence variant interpretation guidelines (Richards et al. 2015 PMID: 25741868, with internal and published modifications).

NM_173628.4(DNAH17):c.12891C>T (p.Tyr4297=)

Gene: DNAH17 (dynein axonemal heavy chain 17; minus strand). Cytogenetic location: 17q25.3.
Variant type: single nucleotide variant.
Coding change: c.12891C>T on transcript NM_173628.4 (MANE Select); coding-DNA position 12891, C replaced by T.
Protein change: p.Tyr4297=; no amino-acid change (tyrosine 4297 retained).
Molecular consequence: synonymous variant.
Genome position (GRCh38, 1-based): chr17:78,426,481, G>A on the plus strand (C>T on the coding strand, the complement: DNAH17 is on the minus strand). VCF-style: chr17-78426481-G-A. GRCh37 (hg19) VCF-style: chr17-76422562-G-A.
Other names: c.12891C>T (NM_173628.3).
Identifiers: ClinVar variation 2648344 (VCV002648344.26), dbSNP rs141279735, ClinGen allele CA8799792.